The following is an entry in ClinVar:

NM_001232.4(CASQ2):c.226G>A (p.Val76Met)

Gene: CASQ2 (calsequestrin 2; minus strand). Cytogenetic location: 1p13.1.
Variant type: single nucleotide variant.
Coding change: c.226G>A on transcript NM_001232.4 (MANE Select); coding-DNA position 226, G replaced by A.
Protein change: p.Val76Met; replaces valine 76 with methionine.
Molecular consequence: missense variant.
Genome position (GRCh38, 1-based): chr1:115,768,316, C>T on the plus strand (G>A on the coding strand, the complement: CASQ2 is on the minus strand). VCF-style: chr1-115768316-C-T. GRCh37 (hg19) VCF-style: chr1-116310937-C-T.
Other names: p.V76M:GTG>ATG; short protein forms V76M.
Identifiers: ClinVar variation 44162 (VCV000044162.32), dbSNP rs10801999, ClinGen allele CA282349.

ClinVar aggregate classification (germline): Benign/Likely benign. Review status: criteria provided, multiple submitters, no conflicts (2 of 4 stars). 15 submissions from 15 submitters: Benign (8); Likely benign (5). 2 of the submissions do not count toward it. Last evaluated 2026-02-03.

Conditions:
Cardiovascular phenotype. Identifiers: MedGen CN230736.
Cardiomyopathy (CMYO). Also called: Cardiomyopathies. Identifiers: Orphanet 167848, MedGen C0878544, MONDO:0004994, HP:0001638. Inheritance: Various modes of inheritance.
Catecholaminergic polymorphic ventricular tachycardia 2. Also called: CASQ2-Related Catecholaminergic Polymorphic Ventricular Tachycardia; VENTRICULAR TACHYCARDIA, STRESS-INDUCED POLYMORPHIC 2. Identifiers: Orphanet 3286, MedGen C2677794, MONDO:0012762, OMIM 611938.
Catecholaminergic polymorphic ventricular tachycardia 1. Also called: VENTRICULAR TACHYCARDIA, CATECHOLAMINERGIC POLYMORPHIC, 1, WITH OR WITHOUT ATRIAL DYSFUNCTION AND/OR DILATED CARDIOMYOPATHY; RYR2-Related Catecholaminergic Polymorphic Ventricular Tachycardia; VENTRICULAR TACHYCARDIA, STRESS-INDUCED POLYMORPHIC 1. Identifiers: Orphanet 3286, MedGen C1631597, MONDO:0011484, OMIM 604772.

Allele frequency attached by ClinVar (database versions not stated): ESP Exome Variant Server 0.00146; gnomAD 0.01449 and 0.01289; TOPMed 0.01989; ExAC 0.02506; 1000 Genomes Project 30x 0.02951; gnomAD exomes 0.00914 and 0.03174; 1000 Genomes Project 0.03035.

Submissions (15):

Labcorp Genetics (formerly Invitae), Labcorp
Classification: Benign for Catecholaminergic polymorphic ventricular tachycardia 1. Last evaluated: 2026-02-03. Review status: criteria provided, single submitter. Criteria: Invitae Variant Classification Sherloc (09022015). Collection method: clinical testing. Allele origin: germline.

Molecular Diagnostic Laboratory for Inherited Cardiovascular Disease, Montreal Heart Institute
Classification: Likely benign. Last evaluated: 2025-04-09. Review status: criteria provided, single submitter. Criteria: ACMG Guidelines, 2015. Collection method: clinical testing. Allele origin: germline. Affected: no.

Genome-Nilou Lab
Classification: Likely benign for Catecholaminergic polymorphic ventricular tachycardia 2. Last evaluated: 2023-04-11. Review status: criteria provided, single submitter. Criteria: ACMG Guidelines, 2015. Collection method: clinical testing. Allele origin: germline. Affected: no.

Illumina Laboratory Services, Illumina
Classification: Likely benign for Catecholaminergic polymorphic ventricular tachycardia 2. Last evaluated: 2017-04-27. Review status: criteria provided, single submitter. Criteria: ICSL Variant Classification Criteria 13 December 2019. Collection method: clinical testing. Allele origin: germline.
Comment: This variant was observed as part of a predisposition screen in an ostensibly healthy population. A literature search was performed for the gene, cDNA change, and amino acid change (where applicable). Publications were found based on this search. The evidence from the literature, in combination with allele frequency data from public databases where available, was sufficient to determine this variant is unlikely to cause disease. Therefore, this variant is classified as likely benign.

Genome Diagnostics Laboratory, University Medical Center Utrecht
Classification: Likely benign for Catecholaminergic polymorphic ventricular tachycardia 2. Last evaluated: 2016-10-04. Review status: criteria provided, single submitter. Criteria: ACGS Guidelines, 2013. Collection method: clinical testing. Allele origin: germline. Affected: yes. Study: VKGL Data-share Consensus.

CHEO Genetics Diagnostic Laboratory, Children's Hospital of Eastern Ontario
Classification: Benign for Cardiomyopathy. Last evaluated: 2015-11-18. Review status: criteria provided, single submitter. Criteria: ACMG Guidelines, 2015. Collection method: clinical testing. Allele origin: germline. Study: Canadian Open Genetics Repository.

Clinical Genetics DNA and cytogenetics Diagnostics Lab, Erasmus MC, Erasmus Medical Center
Classification: Benign for Catecholaminergic polymorphic ventricular tachycardia 2. Last evaluated: 2015-09-21. Review status: criteria provided, single submitter. Criteria: ACGS Guidelines, 2013. Collection method: clinical testing. Allele origin: germline. Affected: yes. Study: VKGL Data-share Consensus.

Ambry Genetics
Classification: Benign for Cardiovascular phenotype. Last evaluated: 2015-08-21. Review status: criteria provided, single submitter. Criteria: Ambry Variant Classification Scheme 2023. Collection method: clinical testing. Allele origin: germline.

Mayo Clinic Laboratories, Mayo Clinic
Classification: Benign. Last evaluated: 2014-08-06. Review status: criteria provided, single submitter. Criteria: ACMG Guidelines, 2015. Collection method: clinical testing. Allele origin: germline. Observed: 17 variant alleles.

Biesecker Lab/Clinical Genomics Section, National Institutes of Health
Classification: Benign. Last evaluated: 2013-06-24. Review status: criteria provided, single submitter. Criteria: Ng et al. (Circ Cardiovasc Genet. 2013). Collection method: research. Allele origin: unknown. Observed: 15 variant alleles. Study: ClinSeq.
Comment: The study set was not selected for affection status in relation to any cancer. Pathogenicity categories were based on literature curation. See Pubmed ID:23861362 for details.

Medical sequencing

GeneDx
Classification: Benign. Last evaluated: 2012-04-23. Review status: criteria provided, single submitter. Criteria: GeneDx Variant Classification (06012015). Collection method: clinical testing. Allele origin: germline. Affected: yes.
Comment: This variant is considered likely benign or benign based on one or more of the following criteria: it is a conservative change, it occurs at a poorly conserved position in the protein, it is predicted to be benign by multiple in silico algorithms, and/or has population frequency not consistent with disease.

Laboratory for Molecular Medicine, Mass General Brigham Personalized Medicine
Classification: Benign. Last evaluated: 2011-10-06. Review status: criteria provided, single submitter. Criteria: LMM Criteria. Collection method: clinical testing. Allele origin: germline. Observed: 39 variant alleles.

Breakthrough Genomics
Classification: Likely benign. Review status: criteria provided, single submitter. Criteria: ACMG Guidelines, 2015. Collection method: not provided. Allele origin: germline. Inheritance: Autosomal recessive inheritance. Affected: yes.

Clinical Genetics, Academic Medical Center
Classification: Benign. Review status: no assertion criteria provided. Collection method: clinical testing. Allele origin: germline. Affected: yes. Study: VKGL Data-share Consensus. Not counted in ClinVar's aggregate classification.

Joint Genome Diagnostic Labs from Nijmegen and Maastricht, Radboudumc and MUMC+
Classification: Benign. Review status: no assertion criteria provided. Collection method: clinical testing. Allele origin: germline. Affected: yes. Study: VKGL Data-share Consensus. Not counted in ClinVar's aggregate classification.

Literature cited by the submitters: PubMed 17881003 (cited by Illumina Laboratory Services, Illumina); PubMed 19709828 (cited by Illumina Laboratory Services, Illumina).